The following is an entry in ClinVar:

ClinVar aggregate classification (germline): Pathogenic. Review status: criteria provided, single submitter (1 of 4 stars). 2 submissions from 2 submitters: Pathogenic (1). 1 of the submissions does not count toward it. Last evaluated 2022-12-31.

Conditions:
Norman-Roberts syndrome (LIS2). Also called: Lissencephaly 2 (Norman-Roberts type). Identifiers: Orphanet 89844, MedGen C0796089, MONDO:0009760, OMIM 257320.
Familial temporal lobe epilepsy 7. Identifiers: Orphanet 101046, MedGen C4225327, MONDO:0014639, OMIM 616436.
Self-limited epilepsy with centrotemporal spikes. Also called: Rolandic epilepsy; Childhood epilepsy with centrotemporal spikes. Identifiers: Orphanet 1945, MedGen C0376532, MONDO:0007295.

gnomAD v4.1: 1 of 1,613,308 alleles (0.000062%); highest among the groups gnomAD compares: Non-Finnish European, 0.000085%; no homozygotes.

Submissions (2):

Labcorp Genetics (formerly Invitae), Labcorp
Classification: Pathogenic for Familial temporal lobe epilepsy 7; Norman-Roberts syndrome. Last evaluated: 2022-12-31. Review status: criteria provided, single submitter. Criteria: Invitae Variant Classification Sherloc (09022015). Collection method: clinical testing. Allele origin: germline.
Comment: For these reasons, this variant has been classified as Pathogenic. ClinVar contains an entry for this variant (Variation ID: 433105). This premature translational stop signal has been observed in individual(s) with RELN-related conditions (PMID: 29358611). This variant is not present in population databases (gnomAD no frequency). This sequence change creates a premature translational stop signal (p.Arg3326*) in the RELN gene. It is expected to result in an absent or disrupted protein product. Loss-of-function variants in RELN are known to be pathogenic (PMID: 10973257, 26046367, 28454995).

Bioinformatics Core, Luxembourg Center for Systems Biomedicine
Classification: Pathogenic for Self-limited epilepsy with centrotemporal spikes. Last evaluated: 2017-01-01. Review status: no assertion criteria provided. Collection method: case-control. Allele origin: germline. Affected: yes. Study: EUROEPINOMICS COGIE. Not counted in ClinVar's aggregate classification.

Literature cited by the submitters: PubMed 29358611 (cited by Labcorp Genetics (formerly Invitae), Labcorp and Bioinformatics Core, Luxembourg Center for Systems Biomedicine); PubMed 10973257 (cited by Labcorp Genetics (formerly Invitae), Labcorp); PubMed 26046367 (cited by Labcorp Genetics (formerly Invitae), Labcorp); PubMed 28454995 (cited by Labcorp Genetics (formerly Invitae), Labcorp).

NM_005045.4(RELN):c.9976C>T (p.Arg3326Ter)

Genes: RELN (reelin; minus strand), SLC26A5-AS1 (SLC26A5 antisense RNA 1; plus strand). Cytogenetic location: 7q22.1.
Variant type: single nucleotide variant.
Coding change: c.9976C>T on transcript NM_005045.4 (MANE Select); coding-DNA position 9976, C replaced by T.
Protein change: p.Arg3326Ter; replaces arginine 3326 with a stop codon.
Molecular consequence: nonsense.
Genome position (GRCh38, 1-based): chr7:103,486,204, G>A on the plus strand (C>T on the coding strand, the complement: RELN is on the minus strand). VCF-style: chr7-103486204-G-A. GRCh37 (hg19) VCF-style: chr7-103126651-G-A.
Other names: c.9976C>T, p.Arg3326Ter (NM_173054.3); short protein forms R3326*.
Identifiers: ClinVar variation 433105 (VCV000433105.4), dbSNP rs751409835, ClinGen allele CA368740949.